The following is an entry in ClinVar:

ClinVar aggregate classification (germline): Uncertain significance (1 of 4 stars; one submission).

Submission:

Labcorp Genetics (formerly Invitae), Labcorp
Classification: Uncertain significance. Last evaluated: 2024-10-26. Review status: criteria provided, single submitter. Criteria: Invitae Variant Classification Sherloc (09022015). Collection method: clinical testing. Allele origin: germline.
Comment: This sequence change replaces aspartic acid, which is acidic and polar, with valine, which is neutral and non-polar, at codon 2018 of the OTOGL protein (p.Asp2018Val). This variant is not present in population databases (gnomAD no frequency). This variant has not been reported in the literature in individuals affected with OTOGL-related conditions. ClinVar contains an entry for this variant (Variation ID: 1954861). An algorithm developed to predict the effect of missense changes on protein structure and function (PolyPhen-2) suggests that this variant is likely to be tolerated. In summary, the available evidence is currently insufficient to determine the role of this variant in disease. Therefore, it has been classified as a Variant of Uncertain Significance.

NM_001378609.3(OTOGL):c.6080A>T (p.Asp2027Val)

Gene: OTOGL (otogelin like; plus strand). Cytogenetic location: 12q21.31.
Variant type: single nucleotide variant.
Coding change: c.6080A>T on transcript NM_001378609.3 (MANE Select); coding-DNA position 6080, A replaced by T.
Protein change: p.Asp2027Val; replaces aspartic acid 2027 with valine.
Molecular consequence: missense variant.
Genome position (GRCh38, 1-based): chr12:80,358,308, A>T. VCF-style: chr12-80358308-A-T. GRCh37 (hg19) VCF-style: chr12-80752088-A-T.
Other names: c.5945A>T, p.Asp1982Val (NM_001368062.3); c.6080A>T, p.Asp2027Val (NM_001378610.3, NM_173591.7); short protein forms D2027V, D1982V.
Identifiers: ClinVar variation 1954861 (VCV001954861.5), dbSNP rs2541411037, ClinGen allele CA385888535.